The following is an entry in ClinVar:

NM_000169.3(GLA):c.622_623del (p.Met208fs)

Genes: GLA (galactosidase alpha; minus strand), RPL36A-HNRNPH2 (RPL36A-HNRNPH2 readthrough; plus strand). Cytogenetic location: Xq22.1.
Variant type: Microsatellite.
Coding change: c.622_623del on transcript NM_000169.3 (MANE Select); coding-DNA positions 622 to 623, 2 bases deleted (AT; older notation c.622_623delAT).
Protein change: p.Met208fs; shifts the reading frame from methionine 208.
Molecular consequence: frameshift variant. On other transcripts: non-coding transcript variant (2), intron variant (2).
Genome position (GRCh38, 1-based): chrX:101,400,682-101,400,683, AT deleted on the plus strand (AT on the coding strand, the reverse complement: GLA is on the minus strand); deleting any 2 consecutive bases within chrX:101,400,682-101,400,686 gives the same sequence; the c. name uses the placement nearest the transcript's 3' end. VCF-style (leftmost placement, unchanged base first): chrX-101400681-CAT-C. GRCh37 (hg19) VCF-style: chrX-100655669-CAT-C.
Other names: c.622_623delAT (NM_000169.2); c.745_746del, p.Met249fs (NM_001406747.1); c.622_623del, p.Met208fs (NM_001406748.1); c.300+5228_300+5229del (NM_001199973.2); c.177+8863_177+8864del (NM_001199974.2); short protein forms M208fs, M249fs.
Identifiers: ClinVar variation 423729 (VCV000423729.8), dbSNP rs1064796601, ClinGen allele CA16621161.
Genomic context (GRCh38, chrX:101,400,681, plus strand): 5'-TATCTATCAGTACAGTTCTATTGGATTCTGGGCTCACTATCTCACCTTTTGAAAGGGCCA[CAT>C]ATAAAGAGGCCACTCACAGGAGTACACAATGCTTCTGCCAGTCCTATTCAGGGCCAAGGA-3'

ClinVar aggregate classification (germline): Pathogenic. Review status: criteria provided, multiple submitters, no conflicts (2 of 4 stars). 3 submissions from 3 submitters: Pathogenic (3). Last evaluated 2021-07-15.

Conditions:
Fabry disease. Also called: Fabry's disease; Angiokeratoma corporis diffusum; GLA DEFICIENCY; HEREDITARY DYSTOPIC LIPIDOSIS; ALPHA-GALACTOSIDASE A DEFICIENCY; ANDERSON-FABRY DISEASE. Identifiers: Orphanet 324, MedGen C0002986, MONDO:0010526, OMIM 301500, HP:0001071. Disease mechanism: Fabry disease is due to inactivating mutations in the X-linked GLA gene resulting in deficiency of the enzyme Alpha Galactosidase-A., loss of function.

Submissions (3):

Genome-Nilou Lab
Classification: Pathogenic for Fabry disease. Last evaluated: 2021-07-15. Review status: criteria provided, single submitter. Criteria: ACMG Guidelines, 2015. Collection method: clinical testing. Allele origin: germline. Affected: no.

Eurofins Ntd Llc (ga)
Classification: Pathogenic. Last evaluated: 2017-03-09. Review status: criteria provided, single submitter. Criteria: EGL Classification Definitions 2015. Collection method: clinical testing. Allele origin: germline. Observed: 2 variant alleles, 1 heterozygote, 1 hemizygote.

GeneDx
Classification: Pathogenic. Last evaluated: 2017-02-13. Review status: criteria provided, single submitter. Criteria: GeneDx Variant Classification (06012015). Collection method: clinical testing. Allele origin: germline. Affected: yes.
Comment: The c.622_623delAT pathogenic variant in the GLA gene causes a frameshift starting with codon Methionine 208, changes this amino acid to a Valine residue and creates a premature Stop codon at position 23 of the new reading frame, denoted p.Met208ValfsX23. This pathogenic variant is predicted to cause loss of normal protein function either through protein truncation or nonsense-mediated mRNA decay.